The following is an entry in ClinVar:

NM_000350.3(ABCA4):c.4598T>C (p.Phe1533Ser)

Gene: ABCA4 (ATP binding cassette subfamily A member 4; minus strand). Cytogenetic location: 1p22.1.
Variant type: single nucleotide variant.
Coding change: c.4598T>C on transcript NM_000350.3 (MANE Select); coding-DNA position 4598, T replaced by C.
Protein change: p.Phe1533Ser; replaces phenylalanine 1533 with serine.
Molecular consequence: missense variant.
Genome position (GRCh38, 1-based): chr1:94,024,990, A>G on the plus strand (T>C on the coding strand, the complement: ABCA4 is on the minus strand). VCF-style: chr1-94024990-A-G. GRCh37 (hg19) VCF-style: chr1-94490546-A-G.
Other names: c.4376T>C, p.Phe1459Ser (NM_001425324.1); short protein forms F1533S, F1459S.
Identifiers: ClinVar variation 623692 (VCV000623692.51), dbSNP rs1557770154, ClinGen allele CA341284630.

ClinVar aggregate classification (germline): Conflicting classifications of pathogenicity. Review status: criteria provided, conflicting classifications (1 of 4 stars). 4 submissions from 4 submitters: Pathogenic (1); Likely pathogenic (1); Uncertain significance (2). Last evaluated 2023-05-19.

Conditions:
Stargardt disease (FFM). Also called: Fundus flavimaculatus; Stargardt's disease. Identifiers: Orphanet 827, MedGen C0271093, MONDO:0019353.
ABCA4-related disorder. Also called: ABCA4-related disorders; ABCA4-related condition. Identifiers: MedGen CN239167.

Allele frequency attached by ClinVar (database versions not stated): gnomAD exomes below 0.00001.
gnomAD v4.1: 2 of 1,614,220 alleles (0.00012%); highest among the groups gnomAD compares: Non-Finnish European, 0.00017%; no homozygotes.

Submissions (4):

Blueprint Genetics
Classification: Likely pathogenic for ABCA4-related disorders. Last evaluated: 2023-05-19. Review status: criteria provided, single submitter. Criteria: ACMG Guidelines, 2015. Collection method: clinical testing. Allele origin: germline. Affected: yes. Observed: 1 variant allele.

Labcorp Genetics (formerly Invitae), Labcorp
Classification: Uncertain significance. Last evaluated: 2021-11-11. Review status: criteria provided, single submitter. Criteria: Invitae Variant Classification Sherloc (09022015). Collection method: clinical testing. Allele origin: germline.
Comment: This sequence change replaces phenylalanine, which is neutral and non-polar, with serine, which is neutral and polar, at codon 1533 of the ABCA4 protein (p.Phe1533Ser). In summary, the available evidence is currently insufficient to determine the role of this variant in disease. Therefore, it has been classified as a Variant of Uncertain Significance. Advanced modeling of protein sequence and biophysical properties (such as structural, functional, and spatial information, amino acid conservation, physicochemical variation, residue mobility, and thermodynamic stability) performed at Invitae indicates that this missense variant is expected to disrupt ABCA4 protein function. ClinVar contains an entry for this variant (Variation ID: 623692). This variant has not been reported in the literature in individuals affected with ABCA4-related conditions. This variant is not present in population databases (gnomAD no frequency).

Molecular Genetics Laboratory, Institute for Ophthalmic Research
Classification: Pathogenic for Stargardt disease. Last evaluated: 2020-01-09. Review status: criteria provided, single submitter. Criteria: ACMG Guidelines, 2015. Collection method: research. Allele origin: germline. Affected: yes.

CeGaT Center for Human Genetics Tuebingen
Classification: Uncertain significance. Last evaluated: 2018-09-01. Review status: criteria provided, single submitter. Criteria: CeGaT Center For Human Genetics Tuebingen Variant Classification Criteria Version 2. Collection method: clinical testing. Allele origin: germline. Affected: yes. Observed: 1 variant allele.